The following is an entry in ClinVar:

ClinVar aggregate classification (germline): Uncertain significance (1 of 4 stars; one submission).

gnomAD v4.1: 1 of 1,614,048 alleles (0.000062%); highest among the groups gnomAD compares: African/African-American, 0.0013%; no homozygotes.

Submission:

Labcorp Genetics (formerly Invitae), Labcorp
Classification: Uncertain significance. Last evaluated: 2022-07-25. Review status: criteria provided, single submitter. Criteria: Invitae Variant Classification Sherloc (09022015). Collection method: clinical testing. Allele origin: germline.
Comment: In summary, the available evidence is currently insufficient to determine the role of this variant in disease. Therefore, it has been classified as a Variant of Uncertain Significance. Algorithms developed to predict the effect of missense changes on protein structure and function are either unavailable or do not agree on the potential impact of this missense change (SIFT: "Tolerated"; PolyPhen-2: "Possibly Damaging"; Align-GVGD: "Class C0"). ClinVar contains an entry for this variant (Variation ID: 1468619). This variant has not been reported in the literature in individuals affected with LRP2-related conditions. This variant is not present in population databases (gnomAD no frequency). This sequence change replaces threonine, which is neutral and polar, with asparagine, which is neutral and polar, at codon 506 of the LRP2 protein (p.Thr506Asn).

NM_004525.3(LRP2):c.1517C>A (p.Thr506Asn)

Gene: LRP2 (LDL receptor related protein 2; minus strand). Cytogenetic location: 2q31.1.
Variant type: single nucleotide variant.
Coding change: c.1517C>A on transcript NM_004525.3 (MANE Select); coding-DNA position 1517, C replaced by A.
Protein change: p.Thr506Asn; replaces threonine 506 with asparagine.
Molecular consequence: missense variant.
Genome position (GRCh38, 1-based): chr2:169,279,420, G>T on the plus strand (C>A on the coding strand, the complement: LRP2 is on the minus strand). VCF-style: chr2-169279420-G-T. GRCh37 (hg19) VCF-style: chr2-170135930-G-T.
Other names: short protein forms T506N.
Identifiers: ClinVar variation 1468619 (VCV001468619.6), dbSNP rs1054888482, ClinGen allele CA349147947.